The following is an entry in ClinVar:

ClinVar aggregate classification (germline): Benign/Likely benign. Review status: criteria provided, multiple submitters, no conflicts (2 of 4 stars). 3 submissions from 3 submitters: Benign (1); Likely benign (2). Last evaluated 2018-12-24.

Conditions:
Neuroblastoma, susceptibility to, 3. Also called: ALK-Related Neuroblastic Tumor Susceptibility. Identifiers: Orphanet 635, MedGen C2751681, MONDO:0013083, OMIM 613014.

Allele frequency attached by ClinVar (database versions not stated): gnomAD exomes 0.00145; gnomAD 0.01583 and 0.01679; TOPMed 0.01772; 1000 Genomes Project 0.02017; 1000 Genomes Project 30x 0.02077.
gnomAD v4.1: 4,521 of 1,553,052 alleles (0.29%); highest among the groups gnomAD compares: African/African-American, 5.4%; 116 homozygotes.

Submissions (3):

GeneDx
Classification: Likely benign. Last evaluated: 2018-12-24. Review status: criteria provided, single submitter. Criteria: GeneDx Variant Classification Process June 2021. Collection method: clinical testing. Allele origin: germline. Affected: yes.

Illumina Laboratory Services, Illumina
Classification: Benign for Neuroblastoma, susceptibility to, 3. Last evaluated: 2018-01-13. Review status: criteria provided, single submitter. Criteria: ICSL Variant Classification Criteria 13 December 2019. Collection method: clinical testing. Allele origin: germline.
Comment: This variant was observed in the ICSL laboratory as part of a predisposition screen in an ostensibly healthy population. It had not been previously curated by ICSL or reported in the Human Gene Mutation Database (HGMD: prior to June 1st, 2018), and was therefore a candidate for classification through an automated scoring system. Utilizing variant allele frequency, disease prevalence and penetrance estimates, and inheritance mode, an automated score was calculated to assess if this variant is too frequent to cause the disease. Based on the score and internal cut-off values, a variant classified as benign is not then subjected to further curation. The score for this variant resulted in a classification of benign for this disease.

Breakthrough Genomics
Classification: Likely benign. Review status: criteria provided, single submitter. Criteria: ACMG Guidelines, 2015. Collection method: not provided. Allele origin: germline. Inheritance: Unknown mechanism. Affected: yes.

NM_004304.5(ALK):c.*63A>G

Gene: ALK (ALK receptor tyrosine kinase; minus strand). Cytogenetic location: 2p23.2.
Variant type: single nucleotide variant.
Coding change: c.*63A>G on transcript NM_004304.5 (MANE Select); 63 bases downstream of the stop codon, A replaced by G.
Molecular consequence: 3 prime UTR variant.
Genome position (GRCh38, 1-based): chr2:29,193,161, T>C on the plus strand (A>G on the coding strand, the complement: ALK is on the minus strand). VCF-style: chr2-29193161-T-C. GRCh37 (hg19) VCF-style: chr2-29416027-T-C.
Other names: c.*63A>G (NM_001353765.2).
Identifiers: ClinVar variation 335683 (VCV000335683.8), dbSNP rs182561050, ClinGen allele CA10615004.